The following is an entry in ClinVar:

NM_001127178.3(PIGG):c.190C>T (p.Leu64Phe)

Gene: PIGG (phosphatidylinositol glycan anchor biosynthesis class G (EMM blood group); plus strand). Cytogenetic location: 4p16.3.
Variant type: single nucleotide variant.
Coding change: c.190C>T on transcript NM_001127178.3 (MANE Select); coding-DNA position 190, C replaced by T.
Protein change: p.Leu64Phe; replaces leucine 64 with phenylalanine.
Molecular consequence: missense variant. On other transcripts: 5 prime UTR variant (10), non-coding transcript variant (10).
Genome position (GRCh38, 1-based): chr4:500,431, C>T. VCF-style: chr4-500431-C-T. GRCh37 (hg19) VCF-style: chr4-494220-C-T.
Other names: c.-78C>T (NM_001289051.2, NM_001289053.2, NM_001289057.2 and 2 more transcripts); c.190C>T, p.Leu64Phe (NM_001289052.2, NM_001345989.2, NM_017733.5); c.-247C>T (NM_001289055.2); c.-698C>T (NM_001345988.2); c.-1436C>T (NM_001345990.2); c.-1298C>T (NM_001345991.2); c.-1023C>T (NM_001345994.2); short protein forms L64F.
Identifiers: ClinVar variation 1953917 (VCV001953917.5), dbSNP rs782037426, ClinGen allele CA2792934.
Genomic context (GRCh38, chr4:500,431, plus strand): 5'-CCTTTTTTTTCTTTCAAACACTTAGGAGCCAGTTCTAACTGGACCACGCTGCCACCACCT[C>T]TCTTCAGTAAAGTTGTTATTGTTCTGATAGATGCCTTGAGAGATGATTTTGTGTTTGGGT-3'
Protein context (NP_001120650.1, residues 54-74): SSNWTTLPPP[Leu64Phe]FSKVVIVLID

ClinVar aggregate classification (germline): Uncertain significance (1 of 4 stars; one submission).

Conditions:
Intellectual disability, autosomal recessive 53 (NEDHSCA). Also called: NEURODEVELOPMENTAL DISORDER WITH OR WITHOUT HYPOTONIA, SEIZURES, AND CEREBELLAR ATROPHY; GLYCOSYLPHOSPHATIDYLINOSITOL BIOSYNTHESIS DEFECT 13; Mental retardation, autosomal recessive 53. Identifiers: Orphanet 488635, MedGen C4310794, MONDO:0014832, OMIM 616917.

Allele frequency attached by ClinVar (database versions not stated): gnomAD exomes below 0.00001; ExAC 0.00001.
gnomAD v4.1: 4 of 1,614,072 alleles (0.00025%); highest among the groups gnomAD compares: South Asian, 0.0022%; no homozygotes.

Submission:

Labcorp Genetics (formerly Invitae), Labcorp
Classification: Uncertain significance for Intellectual disability, autosomal recessive 53. Last evaluated: 2022-02-08. Review status: criteria provided, single submitter. Criteria: Invitae Variant Classification Sherloc (09022015). Collection method: clinical testing. Allele origin: germline.
Comment: In summary, the available evidence is currently insufficient to determine the role of this variant in disease. Therefore, it has been classified as a Variant of Uncertain Significance. Algorithms developed to predict the effect of missense changes on protein structure and function are either unavailable or do not agree on the potential impact of this missense change (SIFT: "Tolerated"; PolyPhen-2: "Probably Damaging"; Align-GVGD: "Class C0"). This variant has not been reported in the literature in individuals affected with PIGG-related conditions. This variant is present in population databases (rs782037426, gnomAD 0.003%). This sequence change replaces leucine, which is neutral and non-polar, with phenylalanine, which is neutral and non-polar, at codon 64 of the PIGG protein (p.Leu64Phe).